The following is an entry in ClinVar:

ClinVar aggregate classification (germline): Uncertain significance (1 of 4 stars; one submission).

Allele frequency attached by ClinVar (database versions not stated): gnomAD exomes 0.00001.
gnomAD v4.1: 3 of 1,613,310 alleles (0.00019%); highest among the groups gnomAD compares: Admixed American, 0.005%; no homozygotes.

Submission:

Labcorp Genetics (formerly Invitae), Labcorp
Classification: Uncertain significance. Last evaluated: 2025-09-08. Review status: criteria provided, single submitter. Criteria: Invitae Variant Classification Sherloc (09022015). Collection method: clinical testing. Allele origin: germline.
Comment: This sequence change replaces histidine, which is basic and polar, with glutamine, which is neutral and polar, at codon 4177 of the HMCN1 protein (p.His4177Gln). This variant is not present in population databases (gnomAD no frequency). This variant has not been reported in the literature in individuals affected with HMCN1-related conditions. ClinVar contains an entry for this variant (Variation ID: 2023012). An algorithm developed to predict the effect of missense changes on protein structure and function outputs the following: PolyPhen-2: "Benign". The glutamine amino acid residue is found in multiple mammalian species, which suggests that this missense change does not adversely affect protein function. In summary, the available evidence is currently insufficient to determine the role of this variant in disease. Therefore, it has been classified as a Variant of Uncertain Significance.

NM_031935.3(HMCN1):c.12531C>G (p.His4177Gln)

Gene: HMCN1 (hemicentin 1; plus strand). Cytogenetic location: 1q31.1.
Variant type: single nucleotide variant.
Coding change: c.12531C>G on transcript NM_031935.3 (MANE Select); coding-DNA position 12531, C replaced by G.
Protein change: p.His4177Gln; replaces histidine 4177 with glutamine.
Molecular consequence: missense variant.
Genome position (GRCh38, 1-based): chr1:186,125,635, C>G. VCF-style: chr1-186125635-C-G. GRCh37 (hg19) VCF-style: chr1-186094767-C-G.
Other names: short protein forms H4177Q.
Identifiers: ClinVar variation 2023012 (VCV002023012.4), dbSNP rs1009976344, ClinGen allele CA33459731.
Genomic context (GRCh38, chr1:186,125,635, plus strand): 5'-TGGATGACTCTTTTTTAAACTCTTCATAGTACCACCCAGGATCAGAAGTACAGAAGGACA[C>G]TACACGGTCAATGAGAATTCACAAGCCATTCTTCCATGCGTAGCTGATGGAATCCCCACA-3'
Protein context (NP_114141.2, residues 4167-4187): VPPRIRSTEG[His4177Gln]YTVNENSQAI